The following is an entry in ClinVar:

ClinVar aggregate classification (germline): Uncertain significance (1 of 4 stars; one submission).

Conditions:
Inborn genetic diseases. Identifiers: MedGen C0950123, MeSH D030342.

gnomAD v4.1: 2 of 1,614,004 alleles (0.00012%); highest among the groups gnomAD compares: Non-Finnish European, 0.00017%; no homozygotes.

Submission:

Ambry Genetics
Classification: Uncertain significance for Inborn genetic diseases. Last evaluated: 2024-12-22. Review status: criteria provided, single submitter. Criteria: Ambry Variant Classification Scheme 2023. Collection method: clinical testing. Allele origin: germline.
Comment: The p.E1000K variant (also known as c.2998G>A), located in coding exon 24 of the ANKRD26 gene, results from a G to A substitution at nucleotide position 2998. The glutamic acid at codon 1000 is replaced by lysine, an amino acid with similar properties. This amino acid position is conserved. In addition, this alteration is predicted to be tolerated by in silico analysis. Based on the available evidence, the clinical significance of this variant remains unclear.

NM_014915.3(ANKRD26):c.2998G>A (p.Glu1000Lys)

Gene: ANKRD26 (ankyrin repeat domain containing 26; minus strand). Cytogenetic location: 10p12.1.
Variant type: single nucleotide variant.
Coding change: c.2998G>A on transcript NM_014915.3 (MANE Select); coding-DNA position 2998, G replaced by A.
Protein change: p.Glu1000Lys; replaces glutamic acid 1000 with lysine.
Molecular consequence: missense variant.
Genome position (GRCh38, 1-based): chr10:27,035,452, C>T on the plus strand (G>A on the coding strand, the complement: ANKRD26 is on the minus strand). VCF-style: chr10-27035452-C-T. GRCh37 (hg19) VCF-style: chr10-27324381-C-T.
Other names: c.2995G>A, p.Glu999Lys (NM_001256053.2); short protein forms E999K, E1000K.
Identifiers: ClinVar variation 3869591 (VCV003869591.1).